The following is an entry in ClinVar:

ClinVar aggregate classification (germline): Likely benign (1 of 4 stars; one submission).

Submission:

CeGaT Center for Human Genetics Tuebingen
Classification: Likely benign. Last evaluated: 2022-11-01. Review status: criteria provided, single submitter. Criteria: CeGaT Center For Human Genetics Tuebingen Variant Classification Criteria Version 2. Collection method: clinical testing. Allele origin: germline. Affected: yes. Observed: 1 variant allele.
Comment: DRP2: PM2:Supporting, BP4, BP7

NM_001939.3(DRP2):c.957C>T (p.Val319=)

Gene: DRP2 (dystrophin related protein 2; plus strand). Cytogenetic location: Xq22.1.
Variant type: single nucleotide variant.
Coding change: c.957C>T on transcript NM_001939.3 (MANE Select); coding-DNA position 957, C replaced by T.
Protein change: p.Val319=; no amino-acid change (valine 319 retained).
Molecular consequence: synonymous variant.
Genome position (GRCh38, 1-based): chrX:101,242,453, C>T. VCF-style: chrX-101242453-C-T. GRCh37 (hg19) VCF-style: chrX-100497442-C-T.
Other names: c.723C>T, p.Val241= (NM_001171184.2).
Identifiers: ClinVar variation 2661056 (VCV002661056.24), dbSNP rs2523070927, ClinGen allele CA517527404.